The following is an entry in ClinVar:

ClinVar aggregate classification (germline): Uncertain significance (1 of 4 stars; one submission).

Allele frequency attached by ClinVar (database versions not stated): gnomAD exomes below 0.00001.
gnomAD v4.1: 1 of 1,613,306 alleles (0.000062%); highest among the groups gnomAD compares: Non-Finnish European, 0.000085%; no homozygotes.

Submission:

Labcorp Genetics (formerly Invitae), Labcorp
Classification: Uncertain significance. Last evaluated: 2024-10-24. Review status: criteria provided, single submitter. Criteria: Invitae Variant Classification Sherloc (09022015). Collection method: clinical testing. Allele origin: germline.
Comment: This sequence change replaces glutamic acid, which is acidic and polar, with glycine, which is neutral and non-polar, at codon 526 of the SCLT1 protein (p.Glu526Gly). This variant is not present in population databases (gnomAD no frequency). This variant has not been reported in the literature in individuals affected with SCLT1-related conditions. ClinVar contains an entry for this variant (Variation ID: 2090527). An algorithm developed to predict the effect of missense changes on protein structure and function (PolyPhen-2) suggests that this variant is likely to be disruptive. In summary, the available evidence is currently insufficient to determine the role of this variant in disease. Therefore, it has been classified as a Variant of Uncertain Significance.

NM_144643.4(SCLT1):c.1577A>G (p.Glu526Gly)

Gene: SCLT1 (sodium channel and clathrin linker 1; minus strand). Cytogenetic location: 4q28.2.
Variant type: single nucleotide variant.
Coding change: c.1577A>G on transcript NM_144643.4 (MANE Select); coding-DNA position 1577, A replaced by G.
Protein change: p.Glu526Gly; replaces glutamic acid 526 with glycine.
Molecular consequence: missense variant.
Genome position (GRCh38, 1-based): chr4:128,943,051, T>C on the plus strand (A>G on the coding strand, the complement: SCLT1 is on the minus strand). VCF-style: chr4-128943051-T-C. GRCh37 (hg19) VCF-style: chr4-129864206-T-C.
Other names: short protein forms E526G.
Identifiers: ClinVar variation 2090527 (VCV002090527.4), dbSNP rs2530333802, ClinGen allele CA358186057.
Genomic context (GRCh38, chr4:128,943,051, plus strand): 5'-AATACCTTTACTTTGGCTTTTTTTTGAGCCTCCAGGGCAATCTTCCTTAAACTCTCAGTC[T>C]CTTTCCGTAACTGTTTATTTTCTTGCTGAAGTTTTAGCCTTTGTTCACTGACAAGCCCAC-3'
Protein context (NP_653244.2, residues 516-536): LQQENKQLRK[Glu526Gly]TESLRKIALE